The following is an entry in ClinVar:

NM_031885.5(BBS2):c.636G>A (p.Met212Ile)

Gene: BBS2 (Bardet-Biedl syndrome 2; minus strand). Cytogenetic location: 16q13.
Variant type: single nucleotide variant.
Coding change: c.636G>A on transcript NM_031885.5 (MANE Select); coding-DNA position 636, G replaced by A.
Protein change: p.Met212Ile; replaces methionine 212 with isoleucine.
Molecular consequence: missense variant. On other transcripts: non-coding transcript variant (5).
Genome position (GRCh38, 1-based): chr16:56,506,201, C>T on the plus strand (G>A on the coding strand, the complement: BBS2 is on the minus strand). VCF-style: chr16-56506201-C-T. GRCh37 (hg19) VCF-style: chr16-56540113-C-T.
Other names: c.636G>A, p.Met212Ile (NM_001377456.1); short protein forms M212I.
Identifiers: ClinVar variation 1502399 (VCV001502399.6), dbSNP rs1461732222, ClinGen allele CA395983228.

ClinVar aggregate classification (germline): Uncertain significance (1 of 4 stars; one submission).

Conditions:
Bardet-Biedl syndrome (BBS). Identifiers: Orphanet 110, MedGen C0752166, MONDO:0015229.

Allele frequency attached by ClinVar (database versions not stated): TOPMed 0.00001.
gnomAD v4.1: 1 of 1,613,894 alleles (0.000062%); highest among the groups gnomAD compares: Non-Finnish European, 0.000085%; no homozygotes.

Submission:

Labcorp Genetics (formerly Invitae), Labcorp
Classification: Uncertain significance for Bardet-Biedl syndrome. Last evaluated: 2023-07-07. Review status: criteria provided, single submitter. Criteria: Invitae Variant Classification Sherloc (09022015). Collection method: clinical testing. Allele origin: germline.
Comment: This sequence change replaces methionine, which is neutral and non-polar, with isoleucine, which is neutral and non-polar, at codon 212 of the BBS2 protein (p.Met212Ile). This variant is not present in population databases (gnomAD no frequency). This variant has not been reported in the literature in individuals affected with BBS2-related conditions. ClinVar contains an entry for this variant (Variation ID: 1502399). Advanced modeling of protein sequence and biophysical properties (such as structural, functional, and spatial information, amino acid conservation, physicochemical variation, residue mobility, and thermodynamic stability) performed at Invitae indicates that this missense variant is not expected to disrupt BBS2 protein function. In summary, the available evidence is currently insufficient to determine the role of this variant in disease. Therefore, it has been classified as a Variant of Uncertain Significance.